The following is an entry in ClinVar:

ClinVar aggregate classification (germline): Uncertain significance (1 of 4 stars; one submission).

Submission:

Labcorp Genetics (formerly Invitae), Labcorp
Classification: Uncertain significance. Last evaluated: 2026-01-26. Review status: criteria provided, single submitter. Criteria: Invitae Variant Classification Sherloc (09022015). Collection method: clinical testing. Allele origin: germline.
Comment: This sequence change replaces glutamic acid, which is acidic and polar, with glycine, which is neutral and non-polar, at codon 1009 of the ASXL2 protein (p.Glu1009Gly). This variant is not present in population databases (gnomAD no frequency). This variant has not been reported in the literature in individuals affected with ASXL2-related conditions. ClinVar contains an entry for this variant (Variation ID: 3672483). Invitae Evidence Modeling of protein sequence and biophysical properties (such as structural, functional, and spatial information, amino acid conservation, physicochemical variation, residue mobility, and thermodynamic stability) indicates that this missense variant is not expected to disrupt ASXL2 protein function with a negative predictive value of 80%. In summary, the available evidence is currently insufficient to determine the role of this variant in disease. Therefore, it has been classified as a Variant of Uncertain Significance.

NM_018263.6(ASXL2):c.3026A>G (p.Glu1009Gly)

Gene: ASXL2 (ASXL transcriptional regulator 2; minus strand). Cytogenetic location: 2p23.3.
Variant type: single nucleotide variant.
Coding change: c.3026A>G on transcript NM_018263.6 (MANE Select); coding-DNA position 3026, A replaced by G.
Protein change: p.Glu1009Gly; replaces glutamic acid 1009 with glycine.
Molecular consequence: missense variant.
Genome position (GRCh38, 1-based): chr2:25,743,311, T>C on the plus strand (A>G on the coding strand, the complement: ASXL2 is on the minus strand). VCF-style: chr2-25743311-T-C. GRCh37 (hg19) VCF-style: chr2-25966180-T-C.
Other names: c.2852A>G, p.Glu951Gly (NM_001369346.1); c.2246A>G, p.Glu749Gly (NM_001369347.1); short protein forms E749G, E951G, E1009G.
Identifiers: ClinVar variation 3672483 (VCV003672483.2).